The following is an entry in ClinVar:

NM_001276345.2(TNNT2):c.708A>C (p.Glu236Asp)

Gene: TNNT2 (troponin T2, cardiac type; minus strand). Cytogenetic location: 1q32.1.
Variant type: single nucleotide variant.
Coding change: c.708A>C on transcript NM_001276345.2 (MANE Select); coding-DNA position 708, A replaced by C.
Protein change: p.Glu236Asp; replaces glutamic acid 236 with aspartic acid.
Molecular consequence: missense variant.
Genome position (GRCh38, 1-based): chr1:201,361,924, T>G on the plus strand (A>C on the coding strand, the complement: TNNT2 is on the minus strand). VCF-style: chr1-201361924-T-G. GRCh37 (hg19) VCF-style: chr1-201331052-T-G.
Other names: c.699A>C, p.Glu233Asp (NM_000364.4, NM_001406723.1); c.678A>C, p.Glu226Asp (NM_001001430.3, NM_001276347.2, NM_001406724.1); c.669A>C, p.Glu223Asp (NM_001001431.3, NM_001406726.1, NM_001406727.1); c.660A>C, p.Glu220Asp (NM_001001432.3); c.579A>C, p.Glu193Asp (NM_001276346.2); c.675A>C, p.Glu225Asp (NM_001406725.1); c.663A>C, p.Glu221Asp (NM_001406728.1); short protein forms E193D, E220D, E226D, E223D, E221D, E225D, E236D, E233D.
Identifiers: ClinVar variation 3971635 (VCV003971635.1).
Genomic context (GRCh38, chr1:201,361,924, plus strand): 5'-CCAGAGCAGATGCGGGCAGTGCCCCAGGACCATTCCTCCCAGCCCCCACCTCAGCTGATC[T>G]TCATTCAGGTGGTCAATGGCCAGCACCTTCCTCCTCTCAGCCAGAATCTTCTTCTTCTTT-3'
Protein context (NP_001263274.1, residues 226-246): RKVLAIDHLN[Glu236Asp]DQLREKAKEL

ClinVar aggregate classification (germline): Uncertain significance (1 of 4 stars; one submission).

Conditions:
Cardiovascular phenotype. Identifiers: MedGen CN230736.

Submission:

Ambry Genetics
Classification: Uncertain significance for Cardiovascular phenotype. Last evaluated: 2025-04-05. Review status: criteria provided, single submitter. Criteria: Ambry Variant Classification Scheme 2023. Collection method: clinical testing. Allele origin: germline.
Comment: The p.E226D variant (also known as c.678A>C), located in coding exon 12 of the TNNT2 gene, results from an A to C substitution at nucleotide position 678. The glutamic acid at codon 226 is replaced by aspartic acid, an amino acid with highly similar properties. This amino acid position is conserved. In addition, the in silico prediction for this alteration is inconclusive. Based on the available evidence, the clinical significance of this variant remains unclear.